The following is an entry in ClinVar:

ClinVar aggregate classification (germline): Likely benign (1 of 4 stars; one submission).

Allele frequency attached by ClinVar (database versions not stated): ExAC 0.00035; gnomAD 0.00101; ESP Exome Variant Server 0.00110; 1000 Genomes Project 30x 0.00219; 1000 Genomes Project 0.00220.
gnomAD v4.1: 280 of 1,550,404 alleles (0.018%); highest among the groups gnomAD compares: African/African-American, 0.32%; 1 homozygote.

Submission:

CeGaT Center for Human Genetics Tuebingen
Classification: Likely benign. Last evaluated: 2023-03-01. Review status: criteria provided, single submitter. Criteria: CeGaT Center For Human Genetics Tuebingen Variant Classification Criteria Version 2. Collection method: clinical testing. Allele origin: germline. Affected: yes. Observed: 1 variant allele.
Comment: LRTM3: BP4, BP7

NM_001146197.3(LRTM3):c.13977C>A (p.Pro4659=)

Gene: LRTM3 (leucine rich repeat transmembrane protein 3; minus strand). Cytogenetic location: 13q33.1.
Variant type: single nucleotide variant.
Coding change: c.13977C>A on transcript NM_001146197.3 (MANE Select); coding-DNA position 13977, C replaced by A.
Protein change: p.Pro4659=; no amino-acid change (proline 4659 retained).
Molecular consequence: synonymous variant.
Genome position (GRCh38, 1-based): chr13:102,736,720, G>T on the plus strand (C>A on the coding strand, the complement: LRTM3 is on the minus strand). VCF-style: chr13-102736720-G-T. GRCh37 (hg19) VCF-style: chr13-103389070-G-T.
Identifiers: ClinVar variation 2643906 (VCV002643906.24), dbSNP rs193006230, ClinGen allele CA7039106.